The following is an entry in ClinVar:

NM_020778.5(ALPK3):c.3676G>A (p.Val1226Met)

Gene: ALPK3 (alpha kinase 3; plus strand). Cytogenetic location: 15q25.3.
Variant type: single nucleotide variant.
Coding change: c.3676G>A on transcript NM_020778.5 (MANE Select); coding-DNA position 3676, G replaced by A.
Protein change: p.Val1226Met; replaces valine 1226 with methionine.
Molecular consequence: missense variant.
Genome position (GRCh38, 1-based): chr15:84,858,414, G>A. VCF-style: chr15-84858414-G-A. GRCh37 (hg19) VCF-style: chr15-85401645-G-A.
Other names: short protein forms V1226M.
Identifiers: ClinVar variation 5036522 (VCV005036522.1).

ClinVar aggregate classification (germline): Uncertain significance (1 of 4 stars; one submission).

Conditions:
Cardiovascular phenotype. Identifiers: MedGen CN230736.

Submission:

Ambry Genetics
Classification: Uncertain significance for Cardiovascular phenotype. Last evaluated: 2026-07-21. Review status: criteria provided, single submitter. Criteria: Ambry Variant Classification Scheme 2023. Collection method: clinical testing. Allele origin: germline.
Comment: The p.V1428M variant (also known as c.4282G>A), located in coding exon 6 of the ALPK3 gene, results from a G to A substitution at nucleotide position 4282. The valine at codon 1428 is replaced by methionine, an amino acid with highly similar properties. This amino acid position is conserved. In addition, the in silico prediction for this alteration is inconclusive. Based on the available evidence, the clinical significance of this variant remains unclear.